The following is an entry in ClinVar:

ClinVar aggregate classification (germline): Pathogenic. Review status: criteria provided, single submitter (1 of 4 stars). 2 submissions from 2 submitters: Pathogenic (1). 1 of the submissions does not count toward it. Last evaluated 2023-05-18.

Conditions:
Prolidase deficiency. Identifiers: Orphanet 742, MedGen C0268532, MONDO:0008221, OMIM 170100.

Allele frequency attached by ClinVar (database versions not stated): gnomAD exomes below 0.00001.

Submissions (2):

Labcorp Genetics (formerly Invitae), Labcorp
Classification: Pathogenic. Last evaluated: 2023-05-18. Review status: criteria provided, single submitter. Criteria: Invitae Variant Classification Sherloc (09022015). Collection method: clinical testing. Allele origin: germline.
Comment: For these reasons, this variant has been classified as Pathogenic. ClinVar contains an entry for this variant (Variation ID: 217). This premature translational stop signal has been observed in individual(s) with Prolidase deficiency (PMID: 17142620). This variant is not present in population databases (gnomAD no frequency). This sequence change creates a premature translational stop signal (p.Val209Glyfs*4) in the PEPD gene. It is expected to result in an absent or disrupted protein product. Loss-of-function variants in PEPD are known to be pathogenic (PMID: 8198124, 10721675, 12384772, 17142620).

OMIM
Classification: Pathogenic for PROLIDASE DEFICIENCY. Last evaluated: 2006-12-01. Review status: no assertion criteria provided. Collection method: literature only. Allele origin: germline. Not counted in ClinVar's aggregate classification.

Literature cited by the submitters: PubMed 17142620 (cited by Labcorp Genetics (formerly Invitae), Labcorp and OMIM); PubMed 8198124 (cited by Labcorp Genetics (formerly Invitae), Labcorp); PubMed 10721675 (cited by Labcorp Genetics (formerly Invitae), Labcorp); PubMed 12384772 (cited by Labcorp Genetics (formerly Invitae), Labcorp); PubMed 6637477 (cited by OMIM).

NM_000285.4(PEPD):c.611_623dup (p.Glu208_Val209insGlyProProTer)

Gene: PEPD (peptidase D; minus strand). Cytogenetic location: 19q13.11.
Variant type: Duplication.
Coding change: c.611_623dup on transcript NM_000285.4 (MANE Select); coding-DNA positions 611 to 623, 13 bases duplicated (AGGCCCACCGTGA).
Protein change: p.Glu208_Val209insGlyProProTer.
Molecular consequence: nonsense, inframe insertion. On other transcripts: intron variant (1).
Genome position (GRCh38, 1-based): chr19:33,463,988-33,464,000, TCACGGTGGGCCT duplicated on the plus strand (AGGCCCACCGTGA on the coding strand, the reverse complement: PEPD is on the minus strand). VCF-style (leftmost placement, unchanged base first): chr19-33463987-C-CTCACGGTGGGCCT. GRCh37 (hg19) VCF-style: chr19-33954893-C-CTCACGGTGGGCCT.
Other names: c.419_431dup, p.Glu144_Val145insGlyProProTer (NM_001166057.2); c.548+14046_548+14058dup (NM_001166056.2).
Identifiers: ClinVar variation 217 (VCV000000217.4), dbSNP rs794728008, ClinGen allele CA214920.